The following is an entry in ClinVar:

NM_032119.4(ADGRV1):c.12849+5_12849+6insAA

Gene: ADGRV1 (adhesion G protein-coupled receptor V1; plus strand). Cytogenetic location: 5q14.3.
Variant type: Insertion.
Coding change: c.12849+5_12849+6insAA on transcript NM_032119.4 (MANE Select); bases 5 to 6 of the intron after coding-DNA position 12849, AA inserted.
Molecular consequence: intron variant.
Genome position: GRCh38 VCF-style: chr5-90778613-T-TAA. GRCh37 (hg19) VCF-style: chr5-90074430-T-TAA.
Identifiers: ClinVar variation 504949 (VCV000504949.8), dbSNP rs1554113222, ClinGen allele CA658796552.

ClinVar aggregate classification (germline): Uncertain significance. Review status: criteria provided, multiple submitters, no conflicts (2 of 4 stars). 3 submissions from 3 submitters: Uncertain significance (3). Last evaluated 2025-07-12.

Submissions (3):

GeneDx
Classification: Uncertain significance. Last evaluated: 2025-07-12. Review status: criteria provided, single submitter. Criteria: GeneDx Variant Classification Process June 2021. Collection method: clinical testing. Allele origin: germline. Affected: yes.
Comment: Not observed at significant frequency in large population cohorts (gnomAD); Has not been previously published as pathogenic or benign to our knowledge; In silico analysis is inconclusive as to whether the variant alters gene splicing. In the absence of RNA/functional studies, the actual effect of this sequence change is unknown.

Labcorp Genetics (formerly Invitae), Labcorp
Classification: Uncertain significance. Last evaluated: 2022-04-11. Review status: criteria provided, single submitter. Criteria: Invitae Variant Classification Sherloc (09022015). Collection method: clinical testing. Allele origin: germline.
Comment: This sequence change falls in intron 63 of the ADGRV1 gene. It does not directly change the encoded amino acid sequence of the ADGRV1 protein. It affects a nucleotide within the consensus splice site. This variant is not present in population databases (gnomAD no frequency). This variant has not been reported in the literature in individuals affected with ADGRV1-related conditions. ClinVar contains an entry for this variant (Variation ID: 504949). Variants that disrupt the consensus splice site are a relatively common cause of aberrant splicing (PMID: 17576681, 9536098). Algorithms developed to predict the effect of sequence changes on RNA splicing suggest that this variant may disrupt the consensus splice site. In summary, the available evidence is currently insufficient to determine the role of this variant in disease. Therefore, it has been classified as a Variant of Uncertain Significance.

Laboratory for Molecular Medicine, Mass General Brigham Personalized Medicine
Classification: Uncertain significance. Last evaluated: 2016-09-15. Review status: criteria provided, single submitter. Criteria: LMM Criteria. Collection method: clinical testing. Allele origin: germline. Observed: 2 variant alleles.
Comment: Variant classified as Uncertain Significance - Favor Pathogenic. This variant has not been identified in large population st udies. This variant is located in the 5' splice region. Computational tools sugg est an impact to splicing; however, this information is not predictive enough to determine pathogenicity. In summary, while there is some suspicion for a pathog enic role, the clinical significance of the c.12849+5_12849+6insAA variant is un certain.

Literature cited by the submitters: PubMed 17576681 (cited by Labcorp Genetics (formerly Invitae), Labcorp); PubMed 9536098 (cited by Labcorp Genetics (formerly Invitae), Labcorp).